The following is an entry in ClinVar:

NM_198578.4(LRRK2):c.1211C>T (p.Ser404Phe)

Gene: LRRK2 (leucine rich repeat kinase 2; plus strand). Cytogenetic location: 12q12.
Variant type: single nucleotide variant.
Coding change: c.1211C>T on transcript NM_198578.4 (MANE Select); coding-DNA position 1211, C replaced by T.
Protein change: p.Ser404Phe; replaces serine 404 with phenylalanine.
Molecular consequence: missense variant.
Genome position (GRCh38, 1-based): chr12:40,252,939, C>T. VCF-style: chr12-40252939-C-T. GRCh37 (hg19) VCF-style: chr12-40646741-C-T.
Other names: short protein forms S404F.
Identifiers: ClinVar variation 938921 (VCV000938921.9), dbSNP rs1942343374, ClinGen allele CA384409287.

ClinVar aggregate classification (germline): Uncertain significance (1 of 4 stars; one submission).

Conditions:
Autosomal dominant Parkinson disease 8. Also called: LRRK2-Related Parkinson Disease; Parkinson disease 8; Parkinson disease 8, susceptibility to. Identifiers: Orphanet 411602, MedGen C1846862, MONDO:0011764, OMIM 607060.

Allele frequency attached by ClinVar (database versions not stated): gnomAD exomes below 0.00001.
gnomAD v4.1: 1 of 1,613,322 alleles (0.000062%); highest among the groups gnomAD compares: Non-Finnish European, 0.000085%; no homozygotes.

Submission:

Labcorp Genetics (formerly Invitae), Labcorp
Classification: Uncertain significance for Autosomal dominant Parkinson disease 8. Last evaluated: 2019-08-04. Review status: criteria provided, single submitter. Criteria: Invitae Variant Classification Sherloc (09022015). Collection method: clinical testing. Allele origin: germline.
Comment: This sequence change replaces serine with phenylalanine at codon 404 of the LRRK2 protein (p.Ser404Phe). The serine residue is moderately conserved and there is a large physicochemical difference between serine and phenylalanine. This variant is not present in population databases (ExAC no frequency). This variant has not been reported in the literature in individuals with LRRK2-related conditions. Algorithms developed to predict the effect of missense changes on protein structure and function are either unavailable or do not agree on the potential impact of this missense change (SIFT: "Deleterious"; PolyPhen-2: "Possibly Damaging"; Align-GVGD: "Class C0"). In summary, the available evidence is currently insufficient to determine the role of this variant in disease. Therefore, it has been classified as a Variant of Uncertain Significance.